The following is an entry in ClinVar:

NM_001042492.3(NF1):c.5115dup (p.Leu1706fs)

Gene: NF1 (neurofibromin 1; plus strand). Cytogenetic location: 17q11.2.
Variant type: Duplication.
Coding change: c.5115dup on transcript NM_001042492.3 (MANE Select); coding-DNA position 5115, one base duplicated (G; older notation c.5115dupG).
Protein change: p.Leu1706fs; shifts the reading frame from leucine 1706.
Molecular consequence: frameshift variant.
Genome position (GRCh38, 1-based): chr17:31,326,099, G duplicated; the last of 2 consecutive G bases (chr17:31,326,098-31,326,099); duplicating either gives the same sequence. VCF-style (leftmost placement, unchanged base first): chr17-31326097-A-AG. GRCh37 (hg19) VCF-style: chr17-29653115-A-AG.
Other names: c.5052dupG (NM_000267.3); c.5052dup, p.Leu1685Alafs (NM_000267.4); short protein forms L1685fs, L1706fs.
Identifiers: ClinVar variation 1745045 (VCV001745045.2), dbSNP rs2508697238, ClinGen allele CA2580093030.
Genomic context (GRCh38, chr17:31,326,097, plus strand): 5'-TGGGTCAGGGAGTACACCAAGTATCATGAGCGGCTGCTGACTGGCCTCAAAGGTAGCAAA[A>AG]GGCTTGTTTTCATAGACTGTCCTGGGAAACTGGCTGAGCACATAGAGCATGAACAACAGA-3'

ClinVar aggregate classification (germline): Pathogenic (1 of 4 stars; one submission).

Conditions:
Cardiovascular phenotype. Identifiers: MedGen CN230736.
Hereditary cancer-predisposing syndrome. Also called: Hereditary Cancer Syndrome; Neoplastic Syndromes, Hereditary; Tumor predisposition; Hereditary neoplastic syndrome. Identifiers: Orphanet 140162, MedGen C0027672, MeSH D009386, MONDO:0015356.

Submission:

Ambry Genetics
Classification: Pathogenic for Cardiovascular phenotype; Hereditary cancer-predisposing syndrome. Last evaluated: 2020-07-30. Review status: criteria provided, single submitter. Criteria: Ambry Variant Classification Scheme 2023. Collection method: clinical testing. Allele origin: germline.
Comment: The c.5052dupG pathogenic mutation, located in coding exon 36 of the NF1 gene, results from a duplication of G at nucleotide position 5052, causing a translational frameshift with a predicted alternate stop codon (p.L1685Afs*12). This alteration is expected to result in loss of function by premature protein truncation or nonsense-mediated mRNA decay. As such, this alteration is interpreted as a disease-causing mutation.